The following is an entry in ClinVar:

NM_004364.5(CEBPA):c.934C>T (p.Gln312Ter)

Gene: CEBPA (CCAAT enhancer binding protein alpha; minus strand). Cytogenetic location: 19q13.11.
Variant type: single nucleotide variant.
Coding change: c.934C>T on transcript NM_004364.5 (MANE Select); coding-DNA position 934, C replaced by T.
Protein change: p.Gln312Ter; replaces glutamine 312 with a stop codon.
Molecular consequence: nonsense.
Genome position (GRCh38, 1-based): chr19:33,301,481, G>A on the plus strand (C>T on the coding strand, the complement: CEBPA is on the minus strand). VCF-style: chr19-33301481-G-A. GRCh37 (hg19) VCF-style: chr19-33792387-G-A.
Other names: c.577C>T, p.Gln193Ter (NM_001285829.2); c.1039C>T, p.Gln347Ter (NM_001287424.2); c.892C>T, p.Gln298Ter (NM_001287435.2); short protein forms Q193*, Q347*, Q298*, Q312*.
Identifiers: ClinVar variation 2801258 (VCV002801258.3), dbSNP rs2145258898, ClinGen allele CA405273889.

ClinVar aggregate classification (germline): Uncertain significance (1 of 4 stars; one submission).

Conditions:
Acute myeloid leukemia (AML). Also called: Acute myeloid leukemia, adult; AML adult; Acute non-lymphocytic leukemia; Acute granulocytic leukemia; Leukemia, acute myeloid, somatic; Leukemia, acute myelogenous, somatic. Identifiers: Orphanet 519, MedGen C0023467, MeSH D015470, MONDO:0018874, OMIM 601626, HP:0004808. Disease mechanism: Constitutively activated FLT3.

Submission:

Labcorp Genetics (formerly Invitae), Labcorp
Classification: Uncertain significance for Acute myeloid leukemia. Last evaluated: 2024-05-08. Review status: criteria provided, single submitter. Criteria: Invitae Variant Classification Sherloc (09022015). Collection method: clinical testing. Allele origin: germline.
Comment: This sequence change creates a premature translational stop signal (p.Gln312*) in the CEBPA gene. While this is not anticipated to result in nonsense mediated decay, it is expected to disrupt the last 47 amino acid(s) of the CEBPA protein. This variant is not present in population databases (gnomAD no frequency). This variant has not been reported in the literature in individuals affected with CEBPA-related conditions. Experimental studies and prediction algorithms are not available or were not evaluated, and the functional significance of this variant is currently unknown. In summary, the available evidence is currently insufficient to determine the role of this variant in disease. Therefore, it has been classified as a Variant of Uncertain Significance.